The following is an entry in ClinVar:

NM_000138.5(FBN1):c.1616G>A (p.Arg539Gln)

Gene: FBN1 (fibrillin 1; minus strand). Cytogenetic location: 15q21.1.
Variant type: single nucleotide variant.
Coding change: c.1616G>A on transcript NM_000138.5 (MANE Select); coding-DNA position 1616, G replaced by A.
Protein change: p.Arg539Gln; replaces arginine 539 with glutamine.
Molecular consequence: missense variant.
Genome position (GRCh38, 1-based): chr15:48,510,142, C>T on the plus strand (G>A on the coding strand, the complement: FBN1 is on the minus strand). VCF-style: chr15-48510142-C-T. GRCh37 (hg19) VCF-style: chr15-48802339-C-T.
Other names: c.1616G>A, p.Arg539Gln (NM_001406716.1); short protein forms R539Q.
Identifiers: ClinVar variation 2498343 (VCV002498343.4), dbSNP rs767893806, ClinGen allele CA045336.

ClinVar aggregate classification (germline): Likely benign. Review status: criteria provided, single submitter (1 of 4 stars). 2 submissions from 2 submitters: Likely benign (1). 1 of the submissions does not count toward it. Last evaluated 2024-03-26.

Conditions:
Marfan syndrome (MFS). Also called: MARFAN SYNDROME, TYPE I; FBN1-Related Marfan Syndrome; Marfan syndrome type 1; Marfan's syndrome; Marfan syndrome, classic. Identifiers: Orphanet 284963, Orphanet 558, MedGen C0024796, MONDO:0007947, OMIM 154700.
Familial thoracic aortic aneurysm and aortic dissection (TAAD). Also called: Thoracic aortic aneurysms and dissections. Identifiers: Orphanet 91387, MedGen C4707243, MONDO:0019625.

Allele frequency attached by ClinVar (database versions not stated): gnomAD exomes 0.00001; gnomAD 0.00002; TOPMed below 0.00001; ExAC 0.00001.
gnomAD v4.1: 10 of 1,613,054 alleles (0.00062%); highest among the groups gnomAD compares: African/African-American, 0.0027%; no homozygotes.

Submissions (2):

Labcorp Genetics (formerly Invitae), Labcorp
Classification: Likely benign for Marfan syndrome; Familial thoracic aortic aneurysm and aortic dissection. Last evaluated: 2024-03-26. Review status: criteria provided, single submitter. Criteria: Invitae Variant Classification Sherloc (09022015). Collection method: clinical testing. Allele origin: germline.

deCODE genetics, Amgen
Classification: Likely pathogenic for Marfan syndrome. Last evaluated: 2023-04-10. Review status: no assertion criteria provided. Collection method: research. Allele origin: germline. Affected: yes. Observed: 4 variant alleles. Not counted in ClinVar's aggregate classification.
Comment: The p.(Arg539Gln) variant was found to associate with thoracid aortic aneurysm (p-value 0.032; OR 29.8). Applied ACMG criteria: PS4, PM2, PP2, PP4

Literature cited by the submitters: PubMed 37684520 (cited by deCODE genetics, Amgen).